The following is an entry in ClinVar:

ClinVar aggregate classification (germline): Likely pathogenic (1 of 4 stars; one submission).

Conditions:
Arrhythmogenic right ventricular dysplasia 9 (ARVD9). Also called: Arrhythmogenic Right Ventricular Dysplasia/Cardiomyopathy 9; ARRHYTHMOGENIC RIGHT VENTRICULAR DYSPLASIA, FAMILIAL, 9. Identifiers: MedGen C1836906, MONDO:0012180, OMIM 609040.

Submission:

Illumina Laboratory Services, Illumina
Classification: Likely pathogenic for Arrhythmogenic right ventricular dysplasia 9. Last evaluated: 2023-11-16. Review status: criteria provided, single submitter. Criteria: ICSLVariantClassificationCriteria RUGD 01 April 2020. Collection method: clinical testing. Allele origin: unknown.
Comment: The PKP2 c.1895_1902dup p.(His635GlyfsTer8) variant causes a shift in the protein reading frame that is predicted to result in premature termination of the protein. Loss of normal protein function through either protein truncation or nonsense-mediated mRNA decay is expected. To our knowledge, this variant has not been reported in the peer-reviewed literature. This variant is not observed in version 4.0.0 of the Genome Aggregation Database. Based on the available evidence, the c.1895_1902dup p.(His635GlyfsTer8) variant is classified as likely pathogenic for arrhythmogenic right ventricular cardiomyopathy.

NM_001005242.3(PKP2):c.1895_1902dup (p.His635fs)

Gene: PKP2 (plakophilin 2; minus strand). Cytogenetic location: 12p11.21.
Variant type: Duplication.
Coding change: c.1895_1902dup on transcript NM_001005242.3 (MANE Select); coding-DNA positions 1895 to 1902, 8 bases duplicated (GGCTGTGG; older notation c.1895_1902dupGGCTGTGG).
Protein change: p.His635fs; shifts the reading frame from histidine 635.
Molecular consequence: frameshift variant.
Genome position (GRCh38, 1-based): chr12:32,821,467-32,821,474, CCACAGCC duplicated on the plus strand (GGCTGTGG on the coding strand, the reverse complement: PKP2 is on the minus strand). VCF-style (leftmost placement, unchanged base first): chr12-32821466-G-GCCACAGCC. GRCh37 (hg19) VCF-style: chr12-32974400-G-GCCACAGCC.
Other names: c.1895_1902dup, p.His635fs (NM_001407155.1, NM_001407161.1); c.1730_1737dup, p.His580fs (NM_001407156.1); c.2027_2034dup, p.His679fs (NM_001407157.1, NM_004572.4); c.1568_1575dup, p.His526fs (NM_001407158.1, NM_001407159.1, NM_001407160.1 and 1 more transcripts); short protein forms H526fs, H580fs, H635fs, H679fs.
Identifiers: ClinVar variation 3893237 (VCV003893237.1).
Genomic context (GRCh38, chr12:32,821,466, plus strand): 5'-GTGTGTAGTTGCGGACACTTTTGGCGATCAAGGACAGATACATCCTTATAACAATGGAAT[G>GCCACAGCC]CCACAGCCACTCCACGCCCTTGGGGTTGCTCTTTTCCTCCGGCATCGGCACGTCCTGGTA-3'